The following is an entry in ClinVar:

NM_005045.4(RELN):c.8843+7G>C

Genes: RELN (reelin; minus strand), SLC26A5-AS1 (SLC26A5 antisense RNA 1; plus strand). Cytogenetic location: 7q22.1.
Variant type: single nucleotide variant.
Coding change: c.8843+7G>C on transcript NM_005045.4 (MANE Select); 7 bases into the intron after coding-DNA position 8843, G replaced by C.
Molecular consequence: intron variant.
Genome position (GRCh38, 1-based): chr7:103,498,070, C>G on the plus strand (G>C on the coding strand, the complement: RELN is on the minus strand). VCF-style: chr7-103498070-C-G. GRCh37 (hg19) VCF-style: chr7-103138517-C-G.
Other names: p.?; c.8843+7G>C (NM_173054.3).
Identifiers: ClinVar variation 95234 (VCV000095234.30), dbSNP rs2711885, ClinGen allele CA148358.

ClinVar aggregate classification (germline): Benign. Review status: criteria provided, multiple submitters, no conflicts (2 of 4 stars). 13 submissions from 13 submitters: Benign (10). 3 of the submissions do not count toward it. Last evaluated 2026-02-04.

Conditions:
Norman-Roberts syndrome (LIS2). Also called: Lissencephaly 2 (Norman-Roberts type). Identifiers: Orphanet 89844, MedGen C0796089, MONDO:0009760, OMIM 257320.
Familial temporal lobe epilepsy 7. Identifiers: Orphanet 101046, MedGen C4225327, MONDO:0014639, OMIM 616436.

Allele frequency attached by ClinVar (database versions not stated): gnomAD exomes 0.98658 and 0.98721; ExAC 0.98696; gnomAD 0.98938 and 0.98965; ESP Exome Variant Server 0.99093; TOPMed 0.99121; 1000 Genomes Project 0.99561; 1000 Genomes Project 30x 0.99610.
gnomAD v4.1: 1,592,800 of 1,613,976 alleles (99%); highest among the groups gnomAD compares: East Asian, 100%; 786,013 homozygotes.

Submissions (13):

Labcorp Genetics (formerly Invitae), Labcorp
Classification: Benign for Familial temporal lobe epilepsy 7; Norman-Roberts syndrome. Last evaluated: 2026-02-04. Review status: criteria provided, single submitter. Criteria: Invitae Variant Classification Sherloc (09022015). Collection method: clinical testing. Allele origin: germline.

Blueprint Genetics
Classification: Benign. Last evaluated: 2024-11-27. Review status: criteria provided, single submitter. Criteria: ACMG Guidelines, 2015. Collection method: clinical testing. Allele origin: germline.

Genome-Nilou Lab
Classification: Benign for Norman-Roberts syndrome. Last evaluated: 2021-11-07. Review status: criteria provided, single submitter. Criteria: ACMG Guidelines, 2015. Collection method: clinical testing. Allele origin: germline. Affected: no.

Mayo Clinic Laboratories, Mayo Clinic
Classification: Benign. Last evaluated: 2018-06-26. Review status: criteria provided, single submitter. Criteria: ACMG Guidelines, 2015. Collection method: clinical testing. Allele origin: germline. Observed: 533 variant alleles.

Athena Diagnostics
Classification: Benign. Last evaluated: 2018-05-03. Review status: criteria provided, single submitter. Criteria: Athena Diagnostics Criteria. Collection method: clinical testing. Allele origin: germline.

Illumina Laboratory Services, Illumina
Classification: Benign for Norman-Roberts syndrome. Last evaluated: 2018-01-12. Review status: criteria provided, single submitter. Criteria: ICSL Variant Classification Criteria 13 December 2019. Collection method: clinical testing. Allele origin: germline.
Comment: This variant was observed in the ICSL laboratory as part of a predisposition screen in an ostensibly healthy population. It had not been previously curated by ICSL or reported in the Human Gene Mutation Database (HGMD: prior to June 1st, 2018), and was therefore a candidate for classification through an automated scoring system. Utilizing variant allele frequency, disease prevalence and penetrance estimates, and inheritance mode, an automated score was calculated to assess if this variant is too frequent to cause the disease. Based on the score and internal cut-off values, a variant classified as benign is not then subjected to further curation. The score for this variant resulted in a classification of benign for this disease.

GeneDx
Classification: Benign. Last evaluated: 2015-03-03. Review status: criteria provided, single submitter. Criteria: GeneDx Variant Classification Process June 2021. Collection method: clinical testing. Allele origin: germline. Affected: yes.

Eurofins Ntd Llc (ga)
Classification: Benign. Last evaluated: 2014-06-05. Review status: criteria provided, single submitter. Criteria: EGL Classification Definitions 2015. Collection method: clinical testing. Allele origin: germline. Observed: 7 variant alleles, 1 heterozygote, 6 homozygotes.

Breakthrough Genomics
Classification: Benign. Review status: criteria provided, single submitter. Criteria: ACMG Guidelines, 2015. Collection method: not provided. Allele origin: germline. Inheritance: Autosomal recessive inheritance. Affected: yes.

PreventionGenetics, part of Exact Sciences
Classification: Benign. Review status: criteria provided, single submitter. Criteria: ACMG Guidelines, 2015. Collection method: clinical testing. Allele origin: germline.

Clinical Genetics, Academic Medical Center
Classification: Benign. Review status: no assertion criteria provided. Collection method: clinical testing. Allele origin: germline. Affected: yes. Study: VKGL Data-share Consensus. Not counted in ClinVar's aggregate classification.

Diagnostic Laboratory, Department of Genetics, University Medical Center Groningen
Classification: Benign for Norman-Roberts syndrome. Review status: no assertion criteria provided. Collection method: clinical testing. Allele origin: germline. Affected: yes. Study: VKGL Data-share Consensus. Not counted in ClinVar's aggregate classification.

Genetic Services Laboratory, University of Chicago
Classification: Likely benign for AllHighlyPenetrant. Review status: no assertion criteria provided. Collection method: clinical testing. Allele origin: germline. Inheritance: Autosomal recessive inheritance. Not counted in ClinVar's aggregate classification.
Comment: Likely benign based on allele frequency in 1000 Genomes Project or ESP global frequency and its presence in a patient with a rare or unrelated disease phenotype. NOT Sanger confirmed.